The following is an entry in ClinVar:

ClinVar aggregate classification (germline): Benign. Review status: criteria provided, multiple submitters, no conflicts (2 of 4 stars). 2 submissions from 2 submitters: Benign (2). Last evaluated 2024-01-24.

Allele frequency attached by ClinVar (database versions not stated): gnomAD exomes 0.08916; ExAC 0.10372; gnomAD 0.10496 and 0.10858; 1000 Genomes Project 30x 0.15350.

Submissions (2):

Unidad de Genómica Garrahan, Hospital de Pediatría Garrahan
Classification: Benign. Last evaluated: 2024-01-24. Review status: criteria provided, single submitter. Criteria: ACMG Guidelines, 2015. Collection method: clinical testing. Allele origin: germline. Affected: no. Observed: 18 variant alleles.
Comment: This variant is classified as Benign based on local population frequency. This variant was detected in 20% of patients studied by a panel of primary immunodeficiencies. Number of patients: 18. Only high quality variants are reported.

Laboratory for Molecular Medicine, Mass General Brigham Personalized Medicine
Classification: Benign. Last evaluated: 2016-03-28. Review status: criteria provided, single submitter. Criteria: LMM Criteria. Collection method: clinical testing. Allele origin: germline.
Comment: Variant identified in a genome or exome case(s) and assessed due to predicted null impact of the variant or pathogenic assertions in the literature or databases. Disclaimer: This variant has not undergone full assessment. The following are preliminary notes: MAF

NM_001002029.4(C4B):c.3527G>A (p.Ser1176Asn)

Gene: C4B (complement C4B (Chido/Rodgers blood group); plus strand). Cytogenetic location: 6p21.33.
Variant type: single nucleotide variant.
Coding change: c.3527G>A on transcript NM_001002029.4 (MANE Select); coding-DNA position 3527, G replaced by A.
Protein change: p.Ser1176Asn; replaces serine 1176 with asparagine.
Molecular consequence: missense variant.
Genome position (GRCh38, 1-based): chr6:32,029,189, G>A. VCF-style: chr6-32029189-G-A. GRCh37 (hg19) VCF-style: chr6-31996966-G-A.
Other names: short protein forms S1176N.
Identifiers: ClinVar variation 402443 (VCV000402443.6), dbSNP rs2746414, ClinGen allele CA3732112.